The following is an entry in ClinVar:

ClinVar aggregate classification (germline): Conflicting classifications of pathogenicity. Review status: criteria provided, conflicting classifications (1 of 4 stars). 4 submissions from 4 submitters: Uncertain significance (2); Likely benign (2). Last evaluated 2026-01-19.

Conditions:
Emery-Dreifuss muscular dystrophy 5, autosomal dominant (EDMD5). Also called: EMERY-DREIFUSS MUSCULAR DYSTROPHY 5. Identifiers: Orphanet 261, MedGen C2751805, MONDO:0013072, OMIM 612999.

Allele frequency attached by ClinVar (database versions not stated): ExAC 0.00009; gnomAD exomes 0.00011 and 0.00036; gnomAD 0.00017; TOPMed 0.00017; ESP Exome Variant Server 0.00031.
gnomAD v4.1: 530 of 1,613,996 alleles (0.033%); highest among the groups gnomAD compares: Non-Finnish European, 0.043%; no homozygotes.

Submissions (4):

Labcorp Genetics (formerly Invitae), Labcorp
Classification: Uncertain significance for Emery-Dreifuss muscular dystrophy 5, autosomal dominant. Last evaluated: 2026-01-19. Review status: criteria provided, single submitter. Criteria: Invitae Variant Classification Sherloc (09022015). Collection method: clinical testing. Allele origin: germline.
Comment: This sequence change replaces arginine, which is basic and polar, with histidine, which is basic and polar, at codon 6379 of the SYNE2 protein (p.Arg6379His). This variant is present in population databases (rs150629598, gnomAD 0.02%). This variant has not been reported in the literature in individuals affected with SYNE2-related conditions. ClinVar contains an entry for this variant (Variation ID: 313647). An algorithm developed to predict the effect of missense changes on protein structure and function outputs the following: PolyPhen-2: "Benign". The histidine amino acid residue is found in multiple mammalian species, which suggests that this missense change does not adversely affect protein function. In summary, the available evidence is currently insufficient to determine the role of this variant in disease. Therefore, it has been classified as a Variant of Uncertain Significance.

Revvity Omics, Revvity
Classification: Likely benign for Emery-Dreifuss muscular dystrophy 5, autosomal dominant. Last evaluated: 2024-02-07. Review status: criteria provided, single submitter. Criteria: ACMG Guidelines, 2015. Collection method: clinical testing. Allele origin: germline.

Illumina Laboratory Services, Illumina
Classification: Likely benign for Emery-Dreifuss muscular dystrophy 5, autosomal dominant. Last evaluated: 2018-01-13. Review status: criteria provided, single submitter. Criteria: ICSL Variant Classification Criteria 13 December 2019. Collection method: clinical testing. Allele origin: germline.
Comment: This variant was observed in the ICSL laboratory as part of a predisposition screen in an ostensibly healthy population. It had not been previously curated by ICSL or reported in the Human Gene Mutation Database (HGMD: prior to June 1st, 2018), and was therefore a candidate for classification through an automated scoring system. Utilizing variant allele frequency, disease prevalence and penetrance estimates, and inheritance mode, an automated score was calculated to assess if this variant is too frequent to cause the disease. Based on the score and internal cut-off values, a variant classified as likely benign is not then subjected to further curation. The score for this variant resulted in a classification of likely benign for this disease.

Athena Diagnostics
Classification: Uncertain significance. Last evaluated: 2017-05-03. Review status: criteria provided, single submitter. Criteria: Athena Diagnostics Criteria. Collection method: clinical testing. Allele origin: germline.

NM_182914.3(SYNE2):c.19136G>A (p.Arg6379His)

Gene: SYNE2 (spectrin repeat containing nuclear envelope protein 2; plus strand). Cytogenetic location: 14q23.2.
Variant type: single nucleotide variant.
Coding change: c.19136G>A on transcript NM_182914.3 (MANE Select); coding-DNA position 19136, G replaced by A.
Protein change: p.Arg6379His; replaces arginine 6379 with histidine.
Molecular consequence: missense variant.
Genome position (GRCh38, 1-based): chr14:64,214,273, G>A. VCF-style: chr14-64214273-G-A. GRCh37 (hg19) VCF-style: chr14-64680991-G-A.
Other names: c.19136G>A, p.Arg6379His (NM_015180.6); c.38G>A, p.Arg13His (NM_182913.4); short protein forms R6379H, R13H.
Identifiers: ClinVar variation 313647 (VCV000313647.17), dbSNP rs150629598, ClinGen allele CA7224329.
Genomic context (GRCh38, chr14:64,214,273, plus strand): 5'-AGGCCTCTGAGAATGAAACAGACATGGAAGACCCCAGAGAAATCCAGACTGATTCTTGGC[G>A]TAAACGGGGAGAGAGCGAGGAACCGTCATCTCCTCAGTCCCTGTGTCATCTAGTGGCCCC-3'
Protein context (NP_878918.2, residues 6369-6389): DPREIQTDSW[Arg6379His]KRGESEEPSS